The following is an entry in ClinVar:

NM_001370466.1(NOD2):c.2164A>G (p.Met722Val)

Gene: NOD2 (nucleotide binding oligomerization domain containing 2; plus strand). Cytogenetic location: 16q12.1.
Variant type: single nucleotide variant.
Coding change: c.2164A>G on transcript NM_001370466.1 (MANE Select); coding-DNA position 2164, A replaced by G.
Protein change: p.Met722Val; replaces methionine 722 with valine.
Molecular consequence: missense variant. On other transcripts: non-coding transcript variant (1).
Genome position (GRCh38, 1-based): chr16:50,712,156, A>G. VCF-style: chr16-50712156-A-G. GRCh37 (hg19) VCF-style: chr16-50746067-A-G.
Other names: c.2164A>G, p.Met722Val (NM_001293557.2); c.2245A>G, p.Met749Val (NM_022162.3); short protein forms M722V, M749V.
Identifiers: ClinVar variation 3762558 (VCV003762558.3).
Genomic context (GRCh38, chr16:50,712,156, plus strand): 5'-GAGGCCAAGAGCGTGCATGCCATGCCCGGGTTCATCTGGCTCATCCGGAGCCTGTACGAG[A>G]TGCAGGAGGAGCGGCTGGCTCGGAAGGCTGCACGTGGCCTGAATGTTGGGCACCTCAAGT-3'
Protein context (NP_001357395.1, residues 712-732): FIWLIRSLYE[Met722Val]QEERLARKAA

ClinVar aggregate classification (germline): Uncertain significance. Review status: criteria provided, multiple submitters, no conflicts (2 of 4 stars). 2 submissions from 2 submitters: Uncertain significance (2). Last evaluated 2025-09-26.

Conditions:
Regional enteritis. Also called: Enteritis, Granulomatous. Identifiers: MedGen C0678202, MeSH D003424.
Blau syndrome (BLAUS). Also called: ARTHROCUTANEOUVEAL GRANULOMATOSIS; GRANULOMATOSIS, FAMILIAL JUVENILE SYSTEMIC; GRANULOMATOSIS, FAMILIAL, BLAU TYPE; GRANULOMATOUS INFLAMMATORY ARTHRITIS, DERMATITIS, AND UVEITIS, FAMILIAL; JABS SYNDROME. Identifiers: Orphanet 90340, MedGen C5201146, MONDO:0008523, OMIM 186580.

gnomAD v4.1: 3 of 1,614,130 alleles (0.00019%); highest among the groups gnomAD compares: Non-Finnish European, 0.00017%; no homozygotes.

Submissions (2):

Labcorp Genetics (formerly Invitae), Labcorp
Classification: Uncertain significance for Regional enteritis; Blau syndrome. Last evaluated: 2025-09-26. Review status: criteria provided, single submitter. Criteria: Invitae Variant Classification Sherloc (09022015). Collection method: clinical testing. Allele origin: germline.
Comment: This sequence change replaces methionine, which is neutral and non-polar, with valine, which is neutral and non-polar, at codon 749 of the NOD2 protein (p.Met749Val). This variant is present in population databases (rs746132151, gnomAD 0.004%). This variant has not been reported in the literature in individuals affected with NOD2-related conditions. ClinVar contains an entry for this variant (Variation ID: 3762558). Invitae Evidence Modeling of protein sequence and biophysical properties (such as structural, functional, and spatial information, amino acid conservation, physicochemical variation, residue mobility, and thermodynamic stability) has been performed for this missense variant. However, the output from this modeling did not meet the statistical confidence thresholds required to predict the impact of this variant on NOD2 protein function. In summary, the available evidence is currently insufficient to determine the role of this variant in disease. Therefore, it has been classified as a Variant of Uncertain Significance.

GeneDx
Classification: Uncertain significance. Last evaluated: 2025-06-20. Review status: criteria provided, single submitter. Criteria: GeneDx Variant Classification Process June 2021. Collection method: clinical testing. Allele origin: germline. Affected: yes.
Comment: In silico analysis suggests that this missense variant does not alter protein structure/function; Has not been previously published as pathogenic or benign to our knowledge